The following is an entry in ClinVar:

NM_001205293.3(CACNA1E):c.3403A>G (p.Ile1135Val)

Gene: CACNA1E (calcium voltage-gated channel subunit alpha1 E; plus strand). Cytogenetic location: 1q25.3.
Variant type: single nucleotide variant.
Coding change: c.3403A>G on transcript NM_001205293.3 (MANE Select); coding-DNA position 3403, A replaced by G.
Protein change: p.Ile1135Val; replaces isoleucine 1135 with valine.
Molecular consequence: missense variant.
Genome position (GRCh38, 1-based): chr1:181,736,415, A>G. VCF-style: chr1-181736415-A-G. GRCh37 (hg19) VCF-style: chr1-181705551-A-G.
Other names: c.3403A>G (NM_001205293.1); c.3403A>G, p.Ile1135Val (NM_000721.4); c.3346A>G, p.Ile1116Val (NM_001205294.2); short protein forms I1116V, I1135V.
Identifiers: ClinVar variation 1902734 (VCV001902734.6), dbSNP rs984217461, ClinGen allele CA33817958.

ClinVar aggregate classification (germline): Conflicting classifications of pathogenicity. Review status: criteria provided, conflicting classifications (1 of 4 stars). 2 submissions from 2 submitters: Uncertain significance (1); Likely benign (1). Last evaluated 2026-04-15.

Conditions:
Inborn genetic diseases. Identifiers: MedGen C0950123, MeSH D030342.

Allele frequency attached by ClinVar (database versions not stated): gnomAD exomes 0.00001; gnomAD 0.00001; TOPMed 0.00002.
gnomAD v4.1: 12 of 1,612,560 alleles (0.00074%); highest among the groups gnomAD compares: African/African-American, 0.0027%; no homozygotes.

Submissions (2):

Ambry Genetics
Classification: Uncertain significance for Inborn genetic diseases. Last evaluated: 2026-04-15. Review status: criteria provided, single submitter. Criteria: Ambry Variant Classification Scheme 2023. Collection method: clinical testing. Allele origin: germline.
Comment: The c.3403A>G (p.I1135V) alteration is located in exon 22 (coding exon 22) of the CACNA1E gene. This alteration results from a A to G substitution at nucleotide position 3403, causing the isoleucine (I) at amino acid position 1135 to be replaced by a valine (V). Based on data from gnomAD, the G allele has an overall frequency of <0.001% (1/244022) total alleles studied. The highest observed frequency was <0.001% (/) of alleles. Based on insufficient or conflicting evidence, the clinical significance of this alteration remains unclear.

Labcorp Genetics (formerly Invitae), Labcorp
Classification: Likely benign. Last evaluated: 2025-04-14. Review status: criteria provided, single submitter. Criteria: Invitae Variant Classification Sherloc (09022015). Collection method: clinical testing. Allele origin: germline.